The following is an entry in ClinVar:

NM_000138.5(FBN1):c.115G>A (p.Ala39Thr)

Gene: FBN1 (fibrillin 1; minus strand). Cytogenetic location: 15q21.1.
Variant type: single nucleotide variant.
Coding change: c.115G>A on transcript NM_000138.5 (MANE Select); coding-DNA position 115, G replaced by A.
Protein change: p.Ala39Thr; replaces alanine 39 with threonine.
Molecular consequence: missense variant.
Genome position (GRCh38, 1-based): chr15:48,644,655, C>T on the plus strand (G>A on the coding strand, the complement: FBN1 is on the minus strand). VCF-style: chr15-48644655-C-T. GRCh37 (hg19) VCF-style: chr15-48936852-C-T.
Other names: c.115G>A, p.Ala39Thr (NM_001406716.1, NM_001406717.1, NM_001406718.1); short protein forms A39T.
Identifiers: ClinVar variation 3068807 (VCV003068807.2), dbSNP rs2505821961, ClinGen allele CA392453617.

ClinVar aggregate classification (germline): Uncertain significance (1 of 4 stars; one submission).

Submission:

Women's Health and Genetics/Laboratory Corporation of America, LabCorp
Classification: Uncertain significance. Last evaluated: 2024-02-28. Review status: criteria provided, single submitter. Criteria: LabCorp Variant Classification Summary - May 2015. Collection method: clinical testing. Allele origin: germline.
Comment: Variant summary: FBN1 c.115G>A (p.Ala39Thr) results in a non-conservative amino acid change in the encoded protein sequence. Three of five in-silico tools predict a damaging effect of the variant on protein function. The variant was absent in 251480 control chromosomes (gnomAD). The available data on variant occurrences in the general population are insufficient to allow any conclusion about variant significance. To our knowledge, no occurrence of c.115G>A in individuals affected with Marfan Syndrome or other FBN1-related disorders and no experimental evidence demonstrating its impact on protein function have been reported. No submitters have cited clinical-significance assessments for this variant to ClinVar. Based on the evidence outlined above, the variant was classified as uncertain significance.